The following is an entry in ClinVar:

ClinVar aggregate classification (germline): Pathogenic (1 of 4 stars; one submission).

Submission:

GeneDx
Classification: Pathogenic. Last evaluated: 2022-06-08. Review status: criteria provided, single submitter. Criteria: GeneDx Variant Classification Process June 2021. Collection method: clinical testing. Allele origin: germline. Affected: yes.
Comment: Frameshift variant predicted to result in protein truncation or nonsense mediated decay in a gene for which loss of function is a known mechanism of disease; Not observed at significant frequency in large population cohorts (gnomAD); Has not been previously published as pathogenic or benign to our knowledge

NM_006612.5(KIF1C):c.945del

Genes: KIF1C (kinesin family member 1C; plus strand), LOC126862472 (CDK7 strongly-dependent group 2 enhancer GRCh37_chr17:4906716-4907915; plus strand). Cytogenetic location: 17p13.2.
Variant type: Deletion.
Coding change: c.945del on transcript NM_006612.5; coding-DNA position 945, one base deleted (G; older notation c.945delG).
Genome position (GRCh38, 1-based): chr17:5,004,571, G deleted; the last of 6 consecutive G bases (chr17:5,004,566-5,004,571); deleting any one gives the same sequence. VCF-style (leftmost placement, unchanged base first): chr17-5004565-AG-A. GRCh37 (hg19) VCF-style: chr17-4907860-AG-A.
Identifiers: ClinVar variation 1803319 (VCV001803319.1), dbSNP rs2508151761, ClinGen allele CA2580093516.